The following is an entry in ClinVar:

ClinVar aggregate classification (germline): Uncertain significance. Review status: criteria provided, multiple submitters, no conflicts (2 of 4 stars). 2 submissions from 2 submitters: Uncertain significance (2). Last evaluated 2021-07-15.

Conditions:
Inborn genetic diseases. Identifiers: MedGen C0950123, MeSH D030342.
Fanconi anemia complementation group A (FANCA). Also called: FANCA-Related Fanconi Anemia; Fanconi anemia, group A. Identifiers: Orphanet 84, MedGen C3469521, MONDO:0009215, OMIM 227650.

Allele frequency attached by ClinVar (database versions not stated): gnomAD exomes below 0.00001; TOPMed 0.00002.
gnomAD v4.1: 3 of 1,613,910 alleles (0.00019%); highest among the groups gnomAD compares: African/African-American, 0.0013%; no homozygotes.

Submissions (2):

Ambry Genetics
Classification: Uncertain significance for Inborn genetic diseases. Last evaluated: 2021-07-15. Review status: criteria provided, single submitter. Criteria: Ambry Variant Classification Scheme 2023. Collection method: clinical testing. Allele origin: germline.

Baylor Genetics
Classification: Uncertain significance for Fanconi anemia complementation group A. Last evaluated: 2021-06-04. Review status: criteria provided, single submitter. Criteria: ACMG Guidelines, 2015. Collection method: clinical testing. Allele origin: unknown. Affected: yes. Study: CSER-TexasKidsCanSeq.
Comment: This variant was determined to be of uncertain significance according to ACMG Guidelines, 2015 [PMID:25741868].

NM_000135.4(FANCA):c.2024C>T (p.Ala675Val)

Gene: FANCA (FA complementation group A; minus strand). Cytogenetic location: 16q24.3.
Variant type: single nucleotide variant.
Coding change: c.2024C>T on transcript NM_000135.4 (MANE Select); coding-DNA position 2024, C replaced by T.
Protein change: p.Ala675Val; replaces alanine 675 with valine.
Molecular consequence: missense variant.
Genome position (GRCh38, 1-based): chr16:89,771,805, G>A on the plus strand (C>T on the coding strand, the complement: FANCA is on the minus strand). VCF-style: chr16-89771805-G-A. GRCh37 (hg19) VCF-style: chr16-89838213-G-A.
Other names: c.2024C>T, p.Ala675Val (NM_001286167.3); short protein forms A675V.
Identifiers: ClinVar variation 1327062 (VCV001327062.4), dbSNP rs986889143, ClinGen allele CA286566588.